The following is an entry in ClinVar:

NM_014053.4(FLVCR1):c.979A>G (p.Asn327Asp)

Gene: FLVCR1 (FLVCR choline and heme transporter 1; plus strand). Cytogenetic location: 1q32.3.
Variant type: single nucleotide variant.
Coding change: c.979A>G on transcript NM_014053.4 (MANE Select); coding-DNA position 979, A replaced by G.
Protein change: p.Asn327Asp; replaces asparagine 327 with aspartic acid.
Molecular consequence: missense variant.
Genome position (GRCh38, 1-based): chr1:212,872,773, A>G. VCF-style: chr1-212872773-A-G. GRCh37 (hg19) VCF-style: chr1-213046115-A-G.
Other names: short protein forms N327D.
Identifiers: ClinVar variation 1968248 (VCV001968248.5), dbSNP rs2464449856, ClinGen allele CA344791966.

ClinVar aggregate classification (germline): Uncertain significance (1 of 4 stars; one submission).

Allele frequency attached by ClinVar (database versions not stated): gnomAD exomes below 0.00001.
gnomAD v4.1: 2 of 1,613,954 alleles (0.00012%); highest among the groups gnomAD compares: Admixed American, 0.0033%; no homozygotes.

Submission:

Labcorp Genetics (formerly Invitae), Labcorp
Classification: Uncertain significance. Last evaluated: 2021-12-21. Review status: criteria provided, single submitter. Criteria: Invitae Variant Classification Sherloc (09022015). Collection method: clinical testing. Allele origin: germline.
Comment: In summary, the available evidence is currently insufficient to determine the role of this variant in disease. Therefore, it has been classified as a Variant of Uncertain Significance. Algorithms developed to predict the effect of missense changes on protein structure and function (SIFT, PolyPhen-2, Align-GVGD) all suggest that this variant is likely to be tolerated. This variant has not been reported in the literature in individuals affected with FLVCR1-related conditions. This variant is not present in population databases (gnomAD no frequency). This sequence change replaces asparagine, which is neutral and polar, with aspartic acid, which is acidic and polar, at codon 327 of the FLVCR1 protein (p.Asn327Asp).